The following is an entry in ClinVar:

NM_001999.4(FBN2):c.256C>T (p.Pro86Ser)

Gene: FBN2 (fibrillin 2; minus strand). Cytogenetic location: 5q23.3.
Variant type: single nucleotide variant.
Coding change: c.256C>T on transcript NM_001999.4 (MANE Select); coding-DNA position 256, C replaced by T.
Protein change: p.Pro86Ser; replaces proline 86 with serine.
Molecular consequence: missense variant.
Genome position (GRCh38, 1-based): chr5:128,536,483, G>A on the plus strand (C>T on the coding strand, the complement: FBN2 is on the minus strand). VCF-style: chr5-128536483-G-A. GRCh37 (hg19) VCF-style: chr5-127872176-G-A.
Other names: short protein forms P86S.
Identifiers: ClinVar variation 1957887 (VCV001957887.5), dbSNP rs2479825738, ClinGen allele CA360761537.
Genomic context (GRCh38, chr5:128,536,483, plus strand): 5'-CAGGGAGCGTCTTCCATCCAGGGCAGCAGTAGGAGTGGAATCTGGAGCCGCACACGTTGG[G>A]CCTGTGATGGACAAGCGCGGTCACGTAACAGATAGGTAGAGGGATGCAGCAACATATAAA-3'
Protein context (NP_001990.2, residues 76-96): RRGQQDVLRG[Pro86Ser]NVCGSRFHSY

ClinVar aggregate classification (germline): Uncertain significance (1 of 4 stars; one submission).

Conditions:
Congenital contractural arachnodactyly (CCA). Also called: BEALS SYNDROME; Arthrogryposis, distal, type 9; Beals-Hecht syndrome. Identifiers: Orphanet 115, MedGen C0220668, MONDO:0007363, OMIM 121050.

Allele frequency attached by ClinVar (database versions not stated): gnomAD exomes below 0.00001.

Submission:

Labcorp Genetics (formerly Invitae), Labcorp
Classification: Uncertain significance for Congenital contractural arachnodactyly. Last evaluated: 2022-10-05. Review status: criteria provided, single submitter. Criteria: Invitae Variant Classification Sherloc (09022015). Collection method: clinical testing. Allele origin: germline.
Comment: In summary, the available evidence is currently insufficient to determine the role of this variant in disease. Therefore, it has been classified as a Variant of Uncertain Significance. Algorithms developed to predict the effect of missense changes on protein structure and function are either unavailable or do not agree on the potential impact of this missense change (SIFT: "Deleterious"; PolyPhen-2: "Not Available"; Align-GVGD: "Class C0"). This variant has not been reported in the literature in individuals affected with FBN2-related conditions. This variant is not present in population databases (gnomAD no frequency). This sequence change replaces proline, which is neutral and non-polar, with serine, which is neutral and polar, at codon 86 of the FBN2 protein (p.Pro86Ser).